The following is an entry in ClinVar:

ClinVar aggregate classification (germline): Uncertain significance. Review status: criteria provided, multiple submitters, no conflicts (2 of 4 stars). 2 submissions from 2 submitters: Uncertain significance (2). Last evaluated 2023-09-27.

Conditions:
Charcot-Marie-Tooth disease, type I (CMT1). Also called: Charcot-Marie-Tooth disease type 1; Charcot-Marie-Tooth, Type 1. Identifiers: Orphanet 65753, MedGen C0751036, MONDO:0019011.

Allele frequency attached by ClinVar (database versions not stated): TOPMed below 0.00001.

Submissions (2):

GeneDx
Classification: Uncertain significance. Last evaluated: 2023-09-27. Review status: criteria provided, single submitter. Criteria: GeneDx Variant Classification Process June 2021. Collection method: clinical testing. Allele origin: germline. Affected: yes.
Comment: Not observed at significant frequency in large population cohorts (gnomAD); Missense variants in this gene are often considered pathogenic (HGMD); In silico analysis supports that this missense variant has a deleterious effect on protein structure/function; Has not been previously published as pathogenic or benign to our knowledge; located within Cytoplasmic topological domain per Lee YC, 2010, Sanmaneechai O, 2015; This variant is associated with the following publications: (PMID: 20461396, 26310628)

Labcorp Genetics (formerly Invitae), Labcorp
Classification: Uncertain significance for Charcot-Marie-Tooth disease, type I. Last evaluated: 2023-05-31. Review status: criteria provided, single submitter. Criteria: Invitae Variant Classification Sherloc (09022015). Collection method: clinical testing. Allele origin: germline.
Comment: In summary, the available evidence is currently insufficient to determine the role of this variant in disease. Therefore, it has been classified as a Variant of Uncertain Significance. Advanced modeling of protein sequence and biophysical properties (such as structural, functional, and spatial information, amino acid conservation, physicochemical variation, residue mobility, and thermodynamic stability) performed at Invitae indicates that this missense variant is not expected to disrupt MPZ protein function. ClinVar contains an entry for this variant (Variation ID: 246180). This missense change has been observed in individual(s) with clinical features of MPZ-related conditions (Invitae). This variant is not present in population databases (gnomAD no frequency). This sequence change replaces lysine, which is basic and polar, with glutamic acid, which is acidic and polar, at codon 199 of the MPZ protein (p.Lys199Glu).

NM_000530.8(MPZ):c.595A>G (p.Lys199Glu)

Gene: MPZ (myelin protein zero; minus strand). Cytogenetic location: 1q23.3.
Variant type: single nucleotide variant.
Coding change: c.595A>G on transcript NM_000530.8 (MANE Select); coding-DNA position 595, A replaced by G.
Protein change: p.Lys199Glu; replaces lysine 199 with glutamic acid.
Molecular consequence: missense variant.
Genome position (GRCh38, 1-based): chr1:161,306,158, T>C on the plus strand (A>G on the coding strand, the complement: MPZ is on the minus strand). VCF-style: chr1-161306158-T-C. GRCh37 (hg19) VCF-style: chr1-161275948-T-C.
Other names: c.595A>G (LRG_256t1); c.595A>G, p.Lys199Glu (NM_001315491.2); short protein forms K199E.
Identifiers: ClinVar variation 246180 (VCV000246180.9), dbSNP rs879254142, ClinGen allele CA10584141.